The following is an entry in ClinVar:

NM_001128840.3(CACNA1D):c.242C>G (p.Ser81Cys)

Gene: CACNA1D (calcium voltage-gated channel subunit alpha1 D; plus strand). Cytogenetic location: 3p21.1.
Variant type: single nucleotide variant.
Coding change: c.242C>G on transcript NM_001128840.3 (MANE Select); coding-DNA position 242, C replaced by G.
Protein change: p.Ser81Cys; replaces serine 81 with cysteine.
Molecular consequence: missense variant.
Genome position (GRCh38, 1-based): chr3:53,497,326, C>G. VCF-style: chr3-53497326-C-G. GRCh37 (hg19) VCF-style: chr3-53531353-C-G.
Other names: c.242C>G, p.Ser81Cys (NM_000720.4, NM_001128839.3); short protein forms S81C.
Identifiers: ClinVar variation 2805276 (VCV002805276.3), dbSNP rs2471510067, ClinGen allele CA353382039.

ClinVar aggregate classification (germline): Uncertain significance (1 of 4 stars; one submission).

Submission:

Labcorp Genetics (formerly Invitae), Labcorp
Classification: Uncertain significance. Last evaluated: 2023-02-25. Review status: criteria provided, single submitter. Criteria: Invitae Variant Classification Sherloc (09022015). Collection method: clinical testing. Allele origin: germline.
Comment: This sequence change replaces serine, which is neutral and polar, with cysteine, which is neutral and slightly polar, at codon 81 of the CACNA1D protein (p.Ser81Cys). This variant is not present in population databases (gnomAD no frequency). This variant has not been reported in the literature in individuals affected with CACNA1D-related conditions. An algorithm developed to predict the effect of missense changes on protein structure and function (PolyPhen-2) suggests that this variant is likely to be disruptive. In summary, the available evidence is currently insufficient to determine the role of this variant in disease. Therefore, it has been classified as a Variant of Uncertain Significance.